The following is an entry in ClinVar:

NM_173477.5(USH1G):c.1246G>A (p.Glu416Lys)

Gene: USH1G (USH1 protein network component sans; minus strand). Cytogenetic location: 17q25.1.
Variant type: single nucleotide variant.
Coding change: c.1246G>A on transcript NM_173477.5 (MANE Select); coding-DNA position 1246, G replaced by A.
Protein change: p.Glu416Lys; replaces glutamic acid 416 with lysine.
Molecular consequence: missense variant.
Genome position (GRCh38, 1-based): chr17:74,919,590, C>T on the plus strand (G>A on the coding strand, the complement: USH1G is on the minus strand). VCF-style: chr17-74919590-C-T. GRCh37 (hg19) VCF-style: chr17-72915685-C-T.
Other names: c.937G>A, p.Glu313Lys (NM_001282489.3); short protein forms E416K, E313K.
Identifiers: ClinVar variation 967042 (VCV000967042.7), dbSNP rs1203217501, ClinGen allele CA400961373.
Genomic context (GRCh38, chr17:74,919,590, plus strand): 5'-GGGGCCCCAGTGGGACGCTGATGCTGCGGAGGTCGAGGTCAGAGCACAGCATCAAAGCCT[C>T]GAGGTCGATCTTCTCCTGCCGCAGGAGGGCGGCAAAGTCCTCCATGTGCAGAGAGGCCAG-3'
Protein context (NP_775748.2, residues 406-426): ALLRQEKIDL[Glu416Lys]ALMLCSDLDL

ClinVar aggregate classification (germline): Uncertain significance (1 of 4 stars; one submission).

Allele frequency attached by ClinVar (database versions not stated): TOPMed 0.00001.

Submission:

Labcorp Genetics (formerly Invitae), Labcorp
Classification: Uncertain significance. Last evaluated: 2019-11-06. Review status: criteria provided, single submitter. Criteria: Invitae Variant Classification Sherloc (09022015). Collection method: clinical testing. Allele origin: germline.
Comment: In summary, the available evidence is currently insufficient to determine the role of this variant in disease. Therefore, it has been classified as a Variant of Uncertain Significance. This sequence change replaces glutamic acid with lysine at codon 416 of the USH1G protein (p.Glu416Lys). The glutamic acid residue is moderately conserved and there is a small physicochemical difference between glutamic acid and lysine. This variant is not present in population databases (ExAC no frequency). This variant has not been reported in the literature in individuals with USH1G-related conditions. Algorithms developed to predict the effect of missense changes on protein structure and function (SIFT, PolyPhen-2, Align-GVGD) all suggest that this variant is likely to be tolerated, but these predictions have not been confirmed by published functional studies and their clinical significance is uncertain.